The following is an entry in ClinVar:

NM_000246.4(CIITA):c.36C>A (p.Tyr12Ter)

Genes: CIITA (class II major histocompatibility complex transactivator; plus strand), LOC130058443 (ATAC-STARR-seq lymphoblastoid active region 10394; plus strand). Cytogenetic location: 16p13.13.
Variant type: single nucleotide variant.
Coding change: c.36C>A on transcript NM_000246.4 (MANE Select); coding-DNA position 36, C replaced by A.
Protein change: p.Tyr12Ter; replaces tyrosine 12 with a stop codon.
Molecular consequence: nonsense. On other transcripts: non-coding transcript variant (1).
Genome position (GRCh38, 1-based): chr16:10,877,366, C>A. VCF-style: chr16-10877366-C-A. GRCh37 (hg19) VCF-style: chr16-10971223-C-A.
Other names: c.36C>A, p.Tyr12Ter (NM_001286402.1, NM_001286403.2, NM_001379330.1 and 3 more transcripts); short protein forms Y12*.
Identifiers: ClinVar variation 1076860 (VCV001076860.7), dbSNP rs367628451, ClinGen allele CA7899533.

ClinVar aggregate classification (germline): Pathogenic (1 of 4 stars; one submission).

Conditions:
MHC class II deficiency. Also called: BLS, TYPE II; Bare lymphocyte syndrome 2. Identifiers: Orphanet 572, MedGen C5447452, MONDO:0008855.

Allele frequency attached by ClinVar (database versions not stated): gnomAD exomes below 0.00001; ExAC 0.00002; ESP Exome Variant Server 0.00008.
gnomAD v4.1: 2 of 1,613,288 alleles (0.00012%); highest among the groups gnomAD compares: Non-Finnish European, 0.00017%; no homozygotes.

Submission:

Labcorp Genetics (formerly Invitae), Labcorp
Classification: Pathogenic for MHC class II deficiency. Last evaluated: 2021-04-07. Review status: criteria provided, single submitter. Criteria: Invitae Variant Classification Sherloc (09022015). Collection method: clinical testing. Allele origin: germline.
Comment: Loss-of-function variants in CIITA are known to be pathogenic (PMID: 8402893, 9099848, 26271388). For these reasons, this variant has been classified as Pathogenic. This variant has not been reported in the literature in individuals with CIITA-related conditions. This variant is present in population databases (rs367628451, ExAC 0.01%). This sequence change creates a premature translational stop signal (p.Tyr12*) in the CIITA gene. It is expected to result in an absent or disrupted protein product.

Literature cited by the submitters: PubMed 8402893; PubMed 9099848; PubMed 26271388.